The following is an entry in ClinVar:

NM_033118.4(MYLK2):c.1654C>G (p.Arg552Gly)

Gene: MYLK2 (myosin light chain kinase 2; plus strand). Cytogenetic location: 20q11.21.
Variant type: single nucleotide variant.
Coding change: c.1654C>G on transcript NM_033118.4 (MANE Select); coding-DNA position 1654, C replaced by G.
Protein change: p.Arg552Gly; replaces arginine 552 with glycine.
Molecular consequence: missense variant.
Genome position (GRCh38, 1-based): chr20:31,832,080, C>G. VCF-style: chr20-31832080-C-G. GRCh37 (hg19) VCF-style: chr20-30419883-C-G.
Other names: short protein forms R552G.
Identifiers: ClinVar variation 2585901 (VCV002585901.2), dbSNP rs1262954625, ClinGen allele CA408528375.

ClinVar aggregate classification (germline): Uncertain significance (1 of 4 stars; one submission).

gnomAD v4.1: 8 of 1,608,608 alleles (0.0005%); highest among the groups gnomAD compares: East Asian, 0.018%; no homozygotes.

Submission:

Ambry Genetics
Classification: Uncertain significance. Last evaluated: 2023-09-06. Review status: criteria provided, single submitter. Criteria: Ambry Variant Classification Scheme 2023. Collection method: clinical testing. Allele origin: germline.
Comment: The p.R552G variant (also known as c.1654C>G), located in coding exon 11 of the MYLK2 gene, results from a C to G substitution at nucleotide position 1654. The arginine at codon 552 is replaced by glycine, an amino acid with dissimilar properties. This amino acid position is conserved. In addition, this alteration is predicted to be tolerated by in silico analysis. Since supporting evidence is limited at this time, the clinical significance of this alteration remains unclear.